The following is an entry in ClinVar:

ClinVar aggregate classification (germline): Uncertain significance (1 of 4 stars; one submission).

Allele frequency attached by ClinVar (database versions not stated): TOPMed below 0.00001; ExAC 0.00002; gnomAD exomes 0.00002.
gnomAD v4.1: 11 of 1,612,282 alleles (0.00068%); highest among the groups gnomAD compares: Admixed American, 0.018%; no homozygotes.

Submission:

Labcorp Genetics (formerly Invitae), Labcorp
Classification: Uncertain significance. Last evaluated: 2024-04-01. Review status: criteria provided, single submitter. Criteria: Invitae Variant Classification Sherloc (09022015). Collection method: clinical testing. Allele origin: germline.
Comment: This sequence change falls in intron 17 of the MYH7B gene. It does not directly change the encoded amino acid sequence of the MYH7B protein. It affects a nucleotide within the consensus splice site. This variant is present in population databases (rs774504169, gnomAD 0.03%). This variant has not been reported in the literature in individuals affected with MYH7B-related conditions. Variants that disrupt the consensus splice site are a relatively common cause of aberrant splicing (PMID: 17576681, 9536098). Algorithms developed to predict the effect of sequence changes on RNA splicing suggest that this variant is not likely to affect RNA splicing. In summary, the available evidence is currently insufficient to determine the role of this variant in disease. Therefore, it has been classified as a Variant of Uncertain Significance.

Literature cited by the submitters: PubMed 17576681; PubMed 9536098.

NM_020884.7(MYH7B):c.1266+6C>T

Gene: MYH7B (myosin heavy chain 7B; plus strand). Cytogenetic location: 20q11.22.
Variant type: single nucleotide variant.
Coding change: c.1266+6C>T on transcript NM_020884.7 (MANE Select); 6 bases into the intron after coding-DNA position 1266, C replaced by T.
Molecular consequence: intron variant.
Genome position (GRCh38, 1-based): chr20:34,987,681, C>T. VCF-style: chr20-34987681-C-T. GRCh37 (hg19) VCF-style: chr20-33575484-C-T.
Identifiers: ClinVar variation 2986997 (VCV002986997.3), dbSNP rs774504169, ClinGen allele CA9826875.